The following is an entry in ClinVar:

ClinVar aggregate classification (germline): Conflicting classifications of pathogenicity. Review status: criteria provided, conflicting classifications (1 of 4 stars). 4 submissions from 4 submitters: Pathogenic (1); Likely pathogenic (1); Uncertain significance (2). Last evaluated 2026-04-06.

Conditions:
Hereditary cancer-predisposing syndrome. Also called: Neoplastic Syndromes, Hereditary; Tumor predisposition; Hereditary Cancer Syndrome; Hereditary neoplastic syndrome. Identifiers: Orphanet 140162, MedGen C0027672, MeSH D009386, MONDO:0015356.
Cardiovascular phenotype. Identifiers: MedGen CN230736.

gnomAD v4.1: 3 of 1,595,316 alleles (0.00019%); highest among the groups gnomAD compares: Non-Finnish European, 0.00026%; no homozygotes.

Submissions (4):

Ambry Genetics
Classification: Likely pathogenic for Cardiovascular phenotype; Hereditary cancer-predisposing syndrome. Last evaluated: 2026-04-06. Review status: criteria provided, single submitter. Criteria: Ambry Variant Classification Scheme 2023. Collection method: clinical testing. Allele origin: germline.
Comment: The c.509G>T variant (also known as p.R170L), located in coding exon 5 of the LZTR1 gene, results from a G to T substitution at nucleotide position 509. The amino acid change results in arginine to leucine at codon 170, an amino acid with dissimilar properties. This nucleotide position is highly conserved in available vertebrate species. In silico splice site analysis predicts that this alteration may weaken the native splice donor site, and RNA studies have demonstrated that this alteration results in abnormal splicing in the set of samples tested (Ambry internal data). This variant was reported in individual(s) with features consistent with LZTR1-related schwannomatosis / Noonan syndrome (Personal communications). Loss-of-function variants in LZTR1 are related to an increased risk for schwannomas and autosomal recessive Noonan syndrome; however, such associations with autosomal dominant Noonan syndrome have not been observed (Piotrowski A et al. Nat Genet. 2014 Feb;46:182-7; Yamamoto GL et al. J Med Genet. 2015 Jun;52:413-21; Johnston JJ et al. Genet Med. 2018 10;20:1175-1185). Based on the supporting evidence, c.509G>T is likely pathogenic for an increased risk of nerve sheath tumors and would be expected to cause autosomal recessive Noonan syndrome when present along with a second pathogenic or likely pathogenic variant on the other allele.

Labcorp Genetics (formerly Invitae), Labcorp
Classification: Pathogenic. Last evaluated: 2025-11-27. Review status: criteria provided, single submitter. Criteria: Invitae Variant Classification Sherloc (09022015). Collection method: clinical testing. Allele origin: germline.
Comment: This sequence change replaces arginine, which is basic and polar, with leucine, which is neutral and non-polar, at codon 170 of the LZTR1 protein (p.Arg170Leu). This variant also falls at the last nucleotide of exon 5, which is part of the consensus splice site for this exon. This variant is not present in population databases (gnomAD no frequency). This missense change has been observed in individual(s) with LZTR1-related conditions (internal data). In at least one individual the variant was observed to be de novo. ClinVar contains an entry for this variant (Variation ID: 1371169). An algorithm developed to predict the effect of missense changes on protein structure and function (PolyPhen-2) suggests that this variant is likely to be tolerated. Variants that disrupt the consensus splice site are a relatively common cause of aberrant splicing (PMID: 17576681, 9536098). Algorithms developed to predict the effect of sequence changes on RNA splicing suggest that this variant may disrupt the consensus splice site. This variant disrupts the c.509G nucleotide in the LZTR1 gene. Other variant(s) that disrupt this nucleotide have been determined to be pathogenic (PMID: 25480913, 30481304, 30732632). This suggests that this nucleotide is clinically significant, and that variants that disrupt this position are likely to be disease-causing. For these reasons, this variant has been classified as Pathogenic.

GeneDx
Classification: Uncertain significance. Last evaluated: 2025-03-10. Review status: criteria provided, single submitter. Criteria: GeneDx Variant Classification Process June 2021. Collection method: clinical testing. Allele origin: germline. Affected: yes.
Comment: Not observed at significant frequency in large population cohorts (gnomAD); In silico analysis is inconclusive as to whether the variant alters gene splicing. In the absence of RNA/functional studies, the actual effect of this sequence change is unknown.; In silico analysis supports that this missense variant has a deleterious effect on protein structure/function; Has not been previously published as pathogenic or benign to our knowledge

Revvity Omics, Revvity
Classification: Uncertain significance. Last evaluated: 2023-05-15. Review status: criteria provided, single submitter. Criteria: ACMG Guidelines, 2015. Collection method: clinical testing. Allele origin: germline.

Literature cited by the submitters: PubMed 17576681 (cited by Labcorp Genetics (formerly Invitae), Labcorp); PubMed 9536098 (cited by Labcorp Genetics (formerly Invitae), Labcorp); PubMed 25480913 (cited by Labcorp Genetics (formerly Invitae), Labcorp); PubMed 30481304 (cited by Labcorp Genetics (formerly Invitae), Labcorp); PubMed 30732632 (cited by Labcorp Genetics (formerly Invitae), Labcorp).

NM_006767.4(LZTR1):c.509G>T (p.Arg170Leu)

Gene: LZTR1 (leucine zipper like post translational regulator 1; plus strand). Cytogenetic location: 22q11.21.
Variant type: single nucleotide variant.
Coding change: c.509G>T on transcript NM_006767.4 (MANE Select); coding-DNA position 509, G replaced by T.
Protein change: p.Arg170Leu; replaces arginine 170 with leucine.
Molecular consequence: missense variant.
Genome position (GRCh38, 1-based): chr22:20,988,118, G>T. VCF-style: chr22-20988118-G-T. GRCh37 (hg19) VCF-style: chr22-21342407-G-T.
Other names: short protein forms R170L.
Identifiers: ClinVar variation 1371169 (VCV001371169.15), dbSNP rs781431741, ClinGen allele CA410779964.